The following is an entry in ClinVar:

NM_000551.4(VHL):c.464T>G (p.Val155Gly)

Genes: VHL (von Hippel-Lindau tumor suppressor; plus strand), LOC107303340 (3p25 von Hippel-Lindau tumor suppressor, E3 ubiquitin protein ligase Alu-mediated recombination region; plus strand). Cytogenetic location: 3p25.3.
Variant type: single nucleotide variant.
Coding change: c.464T>G on transcript NM_000551.4 (MANE Select); coding-DNA position 464, T replaced by G.
Protein change: p.Val155Gly; replaces valine 155 with glycine.
Molecular consequence: missense variant. On other transcripts: 3 prime UTR variant (1).
Genome position (GRCh38, 1-based): chr3:10,149,787, T>G. VCF-style: chr3-10149787-T-G. GRCh37 (hg19) VCF-style: chr3-10191471-T-G.
Other names: c.*18T>G (NM_001354723.2); c.341T>G, p.Val114Gly (NM_198156.3); short protein forms V114G, V155G.
Identifiers: ClinVar variation 2203307 (VCV002203307.4), dbSNP rs2125130449, ClinGen allele CA16621938.
Genomic context (GRCh38, chr3:10,149,787, plus strand): 5'-GTTCGTTCCTTGTACTGAGACCCTAGTCTGCCACTGAGGATTTGGTTTTTGCCCTTCCAG[T>G]GTATACTCTGAAAGAGCGATGCCTCCAGGTTGTCCGGAGCCTAGTCAAGCCTGAGAATTA-3'
Protein context (NP_000542.1, residues 145-165): QPIFANITLP[Val155Gly]YTLKERCLQV

ClinVar aggregate classification (germline): Likely pathogenic (1 of 4 stars; one submission).

Conditions:
Chuvash polycythemia. Also called: POLYCYTHEMIA, VHL-DEPENDENT. Identifiers: Orphanet 238557, MedGen C1837915, MONDO:0009892, OMIM 263400.
Von Hippel-Lindau syndrome (VHLS). Also called: Von Hippel-Lindau; VHL syndrome; von Hippel–Lindau syndrome. Identifiers: Orphanet 892, MedGen C0019562, MONDO:0008667, OMIM 193300. Disease mechanism: loss of function.

Submission:

Labcorp Genetics (formerly Invitae), Labcorp
Classification: Likely pathogenic for Von Hippel-Lindau syndrome; Chuvash polycythemia. Last evaluated: 2022-06-09. Review status: criteria provided, single submitter. Criteria: Invitae Variant Classification Sherloc (09022015). Collection method: clinical testing. Allele origin: germline.
Comment: This sequence change replaces valine, which is neutral and non-polar, with glycine, which is neutral and non-polar, at codon 155 of the VHL protein (p.Val155Gly). This variant is not present in population databases (gnomAD no frequency). This missense change has been observed in individual(s) with clinical features of von-Hippel Lindau syndrome (PMID: 21463266, 25952756; Invitae). In at least one individual the variant was observed to be de novo. In summary, the currently available evidence indicates that the variant is pathogenic, but additional data are needed to prove that conclusively. Therefore, this variant has been classified as Likely Pathogenic. Algorithms developed to predict the effect of missense changes on protein structure and function (SIFT, PolyPhen-2, Align-GVGD) all suggest that this variant is likely to be disruptive.

Literature cited by the submitters: PubMed 21463266; PubMed 25952756.